The following is an entry in ClinVar:

ClinVar aggregate classification (germline): Uncertain significance (1 of 4 stars; one submission).

Submission:

Labcorp Genetics (formerly Invitae), Labcorp
Classification: Uncertain significance. Last evaluated: 2024-10-24. Review status: criteria provided, single submitter. Criteria: Invitae Variant Classification Sherloc (09022015). Collection method: clinical testing. Allele origin: germline.
Comment: This sequence change replaces threonine, which is neutral and polar, with serine, which is neutral and polar, at codon 537 of the COL11A1 protein (p.Thr537Ser). This variant is not present in population databases (gnomAD no frequency). This variant has not been reported in the literature in individuals affected with COL11A1-related conditions. ClinVar contains an entry for this variant (Variation ID: 2135690). Invitae Evidence Modeling of protein sequence and biophysical properties (such as structural, functional, and spatial information, amino acid conservation, physicochemical variation, residue mobility, and thermodynamic stability) indicates that this missense variant is not expected to disrupt COL11A1 protein function with a negative predictive value of 80%. In summary, the available evidence is currently insufficient to determine the role of this variant in disease. Therefore, it has been classified as a Variant of Uncertain Significance.

NM_001854.4(COL11A1):c.1609A>T (p.Thr537Ser)

Gene: COL11A1 (collagen type XI alpha 1 chain; minus strand). Cytogenetic location: 1p21.1.
Variant type: single nucleotide variant.
Coding change: c.1609A>T on transcript NM_001854.4 (MANE Select); coding-DNA position 1609, A replaced by T.
Protein change: p.Thr537Ser; replaces threonine 537 with serine.
Molecular consequence: missense variant. On other transcripts: non-coding transcript variant (1).
Genome position (GRCh38, 1-based): chr1:103,012,433, T>A on the plus strand (A>T on the coding strand, the complement: COL11A1 is on the minus strand). VCF-style: chr1-103012433-T-A. GRCh37 (hg19) VCF-style: chr1-103477989-T-A.
Other names: c.1261A>T, p.Thr421Ser (NM_001168249.1, NM_080630.4); c.1492A>T, p.Thr498Ser (NM_001190709.2); c.1645A>T, p.Thr549Ser (NM_080629.3); short protein forms T549S, T537S, T498S, T421S.
Identifiers: ClinVar variation 2135690 (VCV002135690.4), dbSNP rs1436840107, ClinGen allele CA341177252.
Genomic context (GRCh38, chr1:103,012,433, plus strand): 5'-GAAAATTTTAACATATATTATCTTTGTTGGGGTAACCTACCACAGGACCTGGTCTTCCAG[T>A]TAGACCCATTGGGCCAGGTGGGCCTCTCAGAGCAATCTAGAAAACAAAATATATCAAATT-3'
Protein context (NP_001845.3, residues 527-547): LRGPPGPMGL[Thr537Ser]GRPGPVGGPG